The following is an entry in ClinVar:

NM_004521.3(KIF5B):c.2527A>G (p.Thr843Ala)

Genes: KIF5B (kinesin family member 5B; minus strand), LOC126860907 (CDK7 strongly-dependent group 2 enhancer GRCh37_chr10:32306942-32308141; plus strand). Cytogenetic location: 10p11.22.
Variant type: single nucleotide variant.
Coding change: c.2527A>G on transcript NM_004521.3 (MANE Select); coding-DNA position 2527, A replaced by G.
Protein change: p.Thr843Ala; replaces threonine 843 with alanine.
Molecular consequence: missense variant.
Genome position (GRCh38, 1-based): chr10:32,018,069, T>C on the plus strand (A>G on the coding strand, the complement: KIF5B is on the minus strand). VCF-style: chr10-32018069-T-C. GRCh37 (hg19) VCF-style: chr10-32306997-T-C.
Other names: short protein forms T843A.
Identifiers: ClinVar variation 3377830 (VCV003377830.1).
Genomic context (GRCh38, chr10:32,018,069, plus strand): 5'-TTTTTACTATCTTGCAGCTACCAGAAAATATACTCTTTAGTACCTGTTTGTGCACTTTAG[T>C]GAGCTGTTCAAGATTATTTTCAAGAAAGGAGATTTTTTGCTTCTGAGCAGCGCTGCCTCC-3'
Protein context (NP_004512.1, residues 833-853): SFLENNLEQL[Thr843Ala]KVHKQLVRDN

ClinVar aggregate classification (germline): Uncertain significance (1 of 4 stars; one submission).

Submission:

GeneDx
Classification: Uncertain significance. Last evaluated: 2024-05-14. Review status: criteria provided, single submitter. Criteria: GeneDx Variant Classification Process June 2021. Collection method: clinical testing. Allele origin: germline. Affected: yes.
Comment: Not observed at significant frequency in large population cohorts (gnomAD); In silico analysis supports that this missense variant has a deleterious effect on protein structure/function; Has not been previously published as pathogenic or benign to our knowledge